The following is an entry in ClinVar:

NM_015272.5(RPGRIP1L):c.3899A>G (p.His1300Arg)

Gene: RPGRIP1L (RPGRIP1 like; minus strand). Cytogenetic location: 16q12.2.
Variant type: single nucleotide variant.
Coding change: c.3899A>G on transcript NM_015272.5 (MANE Select); coding-DNA position 3899, A replaced by G.
Protein change: p.His1300Arg; replaces histidine 1300 with arginine.
Molecular consequence: missense variant.
Genome position (GRCh38, 1-based): chr16:53,602,125, T>C on the plus strand (A>G on the coding strand, the complement: RPGRIP1L is on the minus strand). VCF-style: chr16-53602125-T-C. GRCh37 (hg19) VCF-style: chr16-53636037-T-C.
Other names: c.3659A>G, p.His1220Arg (NM_001127897.4); c.3761A>G, p.His1254Arg (NM_001308334.3); c.3797A>G, p.His1266Arg (NM_001330538.2); short protein forms H1254R, H1220R, H1266R, H1300R.
Identifiers: ClinVar variation 4996830 (VCV004996830.1).

ClinVar aggregate classification (germline): Uncertain significance (1 of 4 stars; one submission).

Conditions:
RPGRIP1L-related disorder. Also called: RPGRIP1L-related disorders; RPGRIP1L-related condition. Identifiers: MedGen CN239416.

gnomAD v4.1: 2 of 1,614,000 alleles (0.00012%); no homozygotes.

Submission:

PreventionGenetics, part of Exact Sciences
Classification: Uncertain significance for RPGRIP1L-related condition. Last evaluated: 2025-07-16. Review status: criteria provided, single submitter. Criteria: ACMG Guidelines, 2015. Collection method: clinical testing. Allele origin: germline.
Comment: The RPGRIP1L c.3899A>G variant is predicted to result in the amino acid substitution p.His1300Arg. To our knowledge, this variant has not been reported in the literature or in a large population database (gnomAD), indicating this variant is rare. At this time, the clinical significance of this variant is uncertain due to the absence of conclusive functional and genetic evidence.